The following is an entry in ClinVar:

ClinVar aggregate classification (germline): Likely pathogenic (1 of 4 stars; one submission).

Conditions:
Intellectual developmental disorder, autosomal dominant 57. Also called: MENTAL RETARDATION, AUTOSOMAL DOMINANT 57; Intellectual disability, autosomal dominant 57. Identifiers: MedGen C4748003, MONDO:0054837, OMIM 618050.

Submission:

Variantyx, Inc.
Classification: Likely pathogenic for Intellectual developmental disorder, autosomal dominant 57. Last evaluated: 2025-04-27. Review status: criteria provided, single submitter. Criteria: Variantyx Assertion Criteria 2022. Collection method: clinical testing. Allele origin: germline. Inheritance: Autosomal dominant inheritance. Affected: yes.
Comment: This is a nonsense variant in the TLK2 gene (OMIM: 608439). Pathogenic variants in this gene have been associated with autosomal dominant intellectual developmental disorder 57. This variant introduces a premature termination codon in exon 7 out of 22 and is expected to result in loss of function, which is a known disease mechanism for TLK2 in this disorder (PMID: 29861108) (PVS1). This variant is absent from control populations (PM2), and it has not been previously reported in individuals with TLK2-related disorders in the databases available for review. Based on the current evidence, this variant is classified as likely pathogenic for autosomal dominant intellectual developmental disorder 57.This variant was reported by previous genetic testing.

Literature cited by the submitters: PubMed 29861108.

NM_006852.6(TLK2):c.412G>T (p.Glu138Ter)

Gene: TLK2 (tousled like kinase 2; plus strand). Cytogenetic location: 17q23.2.
Variant type: single nucleotide variant.
Coding change: c.412G>T on transcript NM_006852.6 (MANE Select); coding-DNA position 412, G replaced by T.
Protein change: p.Glu138Ter; replaces glutamic acid 138 with a stop codon.
Molecular consequence: nonsense. On other transcripts: 5 prime UTR variant (2).
Genome position (GRCh38, 1-based): chr17:62,536,218, G>T. VCF-style: chr17-62536218-G-T. GRCh37 (hg19) VCF-style: chr17-60613579-G-T.
Other names: c.412G>T, p.Glu138Ter (NM_001284333.3, NM_001375270.1, NM_001375271.1 and 1 more transcripts); c.316G>T, p.Glu106Ter (NM_001284363.1, NM_001375272.1, NM_001411074.1 and 2 more transcripts); c.-36G>T (NM_001330418.3, NM_001375273.1); c.454G>T, p.Glu152Ter (NM_001375269.1); short protein forms E106*, E138*, E152*.
Identifiers: ClinVar variation 4850715 (VCV004850715.1).